The following is an entry in ClinVar:

ClinVar aggregate classification (germline): Uncertain significance (1 of 4 stars; one submission).

Conditions:
CHARGE syndrome (CHARGE). Also called: Hittner Hirsch Kreh syndrome; CHARGE ASSOCIATION--COLOBOMA, HEART ANOMALY, CHOANAL ATRESIA, RETARDATION, GENITAL AND EAR ANOMALIES; Coloboma, heart anomaly, choanal atresia, retardation, genital and ear anomalies; CHARGE association; Hall-Hittner syndrome. Identifiers: Orphanet 138, MedGen C0265354, MONDO:0008965.

Allele frequency attached by ClinVar (database versions not stated): gnomAD exomes below 0.00001; ExAC 0.00001.
gnomAD v4.1: 2 of 1,610,810 alleles (0.00012%); highest among the groups gnomAD compares: Non-Finnish European, 0.00017%; no homozygotes.

Submission:

Labcorp Genetics (formerly Invitae), Labcorp
Classification: Uncertain significance for CHARGE syndrome. Last evaluated: 2020-02-27. Review status: criteria provided, single submitter. Criteria: Invitae Variant Classification Sherloc (09022015). Collection method: clinical testing. Allele origin: germline.
Comment: Algorithms developed to predict the effect of missense changes on protein structure and function are either unavailable or do not agree on the potential impact of this missense change (SIFT: "Deleterious"; PolyPhen-2: "Benign"; Align-GVGD: "Class C0"). This variant has not been reported in the literature in individuals with SEMA3E-related conditions. This variant is present in population databases (rs775000046, ExAC 0.002%). This sequence change replaces glutamic acid with glycine at codon 676 of the SEMA3E protein (p.Glu676Gly). The glutamic acid residue is moderately conserved and there is a moderate physicochemical difference between glutamic acid and glycine. In summary, the available evidence is currently insufficient to determine the role of this variant in disease. Therefore, it has been classified as a Variant of Uncertain Significance.

NM_012431.3(SEMA3E):c.2027A>G (p.Glu676Gly)

Gene: SEMA3E (semaphorin 3E; minus strand). Cytogenetic location: 7q21.11.
Variant type: single nucleotide variant.
Coding change: c.2027A>G on transcript NM_012431.3 (MANE Select); coding-DNA position 2027, A replaced by G.
Protein change: p.Glu676Gly; replaces glutamic acid 676 with glycine.
Molecular consequence: missense variant.
Genome position (GRCh38, 1-based): chr7:83,367,887, T>C on the plus strand (A>G on the coding strand, the complement: SEMA3E is on the minus strand). VCF-style: chr7-83367887-T-C. GRCh37 (hg19) VCF-style: chr7-82997203-T-C.
Other names: c.1847A>G, p.Glu616Gly (NM_001178129.2); short protein forms E616G, E676G.
Identifiers: ClinVar variation 1047815 (VCV001047815.8), dbSNP rs775000046, ClinGen allele CA4321843.